The following is an entry in ClinVar:

NC_000023.11:g.(31507454_31627672)_(31729749_31773959)del

Gene: DMD (dystrophin; minus strand). Cytogenetic location: Xp21.1.
Variant type: Deletion.
Identifiers: ClinVar variation 981977 (VCV000981977.2).

ClinVar aggregate classification (germline): Pathogenic (1 of 4 stars; one submission).

Conditions:
Neuromuscular disease caused by qualitative or quantitative defects of dystrophin. Also called: Qualitative or quantitative defects of dystrophin. Identifiers: Orphanet 207085, MedGen C5679787, MONDO:0016147.

Submission:

Women's Health and Genetics/Laboratory Corporation of America, LabCorp
Classification: Pathogenic for Neuromuscular disease caused by qualitative or quantitative defects of dystrophin. Last evaluated: 2021-06-04. Review status: criteria provided, single submitter. Criteria: LabCorp Variant Classification Summary - May 2015. Collection method: clinical testing. Allele origin: germline.
Comment: Variant summary: The variant identified by MLPA or other technology involves the deletion of exons 52-55 in the DMD gene. A presumed nomenclature of c.(7542+1_7543-1)_(8217+1_8218-1)del has been designated for the purposes of this classification. Although exact breakpoints of this deletion are not known, it is expected to result in a large in-frame deletion in the DMD gene, a known mechanism of disease. The variant was absent in 20520 control chromosomes (gnomAD). Deletion of exons 52-55 has been reported in the literature in individuals affected with Dystrophinopathies (Helderman-vandenEnden_2009, Ling_2019). These data indicate that the variant may be associated with disease. To our knowledge, no experimental evidence demonstrating an impact on protein function has been reported. One ClinVar submitter (evaluation after 2014) cites the variant as pathogenic. In addition, a smaller in-frame deletion (Ex52_53del) has been reported in multiple patients with Dystrophinopathies in the HGMD database. Based on the evidence outlined above, the variant was classified as pathogenic.

Literature cited by the submitters: PubMed 19475718; PubMed 31705731.